The following is an entry in ClinVar:

NM_000090.4(COL3A1):c.4012-6T>C

Gene: COL3A1 (collagen type III alpha 1 chain; plus strand). Cytogenetic location: 2q32.2.
Variant type: single nucleotide variant.
Coding change: c.4012-6T>C on transcript NM_000090.4 (MANE Select); 6 bases into the intron before coding-DNA position 4012, T replaced by C.
Molecular consequence: intron variant.
Genome position (GRCh38, 1-based): chr2:189,010,642, T>C. VCF-style: chr2-189010642-T-C. GRCh37 (hg19) VCF-style: chr2-189875368-T-C.
Identifiers: ClinVar variation 2234039 (VCV002234039.3), dbSNP rs2469170038, ClinGen allele CA2577186082.
Genomic context (GRCh38, chr2:189,010,642, plus strand): 5'-ACATGAATCCCTCGCGTGCAGTTACAACTGAAATGTTTGATCTGTTTTATTTGTTCCCTA[T>C]TACAGTTTAGCTACGGCAATCCTGAACTTCCTGAAGATGTCCTTGATGTGCATCTGGCAT-3'

ClinVar aggregate classification (germline): Conflicting classifications of pathogenicity. Review status: criteria provided, conflicting classifications (1 of 4 stars). 2 submissions from 2 submitters: Uncertain significance (1); Likely benign (1). Last evaluated 2025-10-26.

Conditions:
Familial thoracic aortic aneurysm and aortic dissection (TAAD). Also called: Thoracic aortic aneurysms and dissections. Identifiers: Orphanet 91387, MedGen C4707243, MONDO:0019625.
Ehlers-Danlos syndrome, type 4 (EDSVASC). Also called: Ehlers-Danlos syndrome vascular type; Ehlers Danlos syndrome, ecchymotic type; Ehlers Danlos syndrome, arterial type; Ehlers Danlos syndrome, Sack-Barabas type; Ehlers-Danlos Syndrome Type IV. Identifiers: Orphanet 286, MedGen C0268338, MONDO:0017314, OMIM 130050.

Allele frequency attached by ClinVar (database versions not stated): gnomAD exomes below 0.00001.
gnomAD v4.1: 2 of 1,614,148 alleles (0.00012%); highest among the groups gnomAD compares: Non-Finnish European, 0.00017%; no homozygotes.

Submissions (2):

Labcorp Genetics (formerly Invitae), Labcorp
Classification: Likely benign for Ehlers-Danlos syndrome, type 4. Last evaluated: 2025-10-26. Review status: criteria provided, single submitter. Criteria: Invitae Variant Classification Sherloc (09022015). Collection method: clinical testing. Allele origin: germline.

Ambry Genetics
Classification: Uncertain significance for Familial thoracic aortic aneurysm and aortic dissection. Last evaluated: 2021-07-30. Review status: criteria provided, single submitter. Criteria: Ambry Variant Classification Scheme 2023. Collection method: clinical testing. Allele origin: germline.
Comment: The c.4012-6T>C intronic alteration consists of a T to C substitution 6 nucleotides before exon 50 of the COL3A1 gene. Based on insufficient or conflicting evidence, the clinical significance of this alteration remains unclear.